The following is an entry in ClinVar:

ClinVar aggregate classification (germline): Uncertain significance. Review status: criteria provided, multiple submitters, no conflicts (2 of 4 stars). 2 submissions from 2 submitters: Uncertain significance (2). Last evaluated 2024-03-25.

Conditions:
Inborn genetic diseases. Identifiers: MedGen C0950123, MeSH D030342.
Pityriasis rubra pilaris (PRP). Also called: Pityriasis rubra pilaris--familial type. Identifiers: Orphanet 2897, MedGen C0032027, MONDO:0100017, OMIM 173200, MONDO:0008251.
Psoriasis 2. Identifiers: MedGen C1864497, MONDO:0011269, OMIM 602723.

Allele frequency attached by ClinVar (database versions not stated): gnomAD exomes below 0.00001 and 0.00002; ExAC 0.00002; gnomAD 0.00006 and 0.00007; TOPMed 0.00016; 1000 Genomes Project 30x 0.00031; 1000 Genomes Project 0.00040.
gnomAD v4.1: 19 of 1,613,408 alleles (0.0012%); highest among the groups gnomAD compares: African/African-American, 0.019%; no homozygotes.

Submissions (2):

Ambry Genetics
Classification: Uncertain significance for Inborn genetic diseases. Last evaluated: 2024-03-25. Review status: criteria provided, single submitter. Criteria: Ambry Variant Classification Scheme 2023. Collection method: clinical testing. Allele origin: germline.

Labcorp Genetics (formerly Invitae), Labcorp
Classification: Uncertain significance for Pityriasis rubra pilaris; Psoriasis 2. Last evaluated: 2024-02-24. Review status: criteria provided, single submitter. Criteria: Invitae Variant Classification Sherloc (09022015). Collection method: clinical testing. Allele origin: germline.
Comment: This sequence change replaces cysteine, which is neutral and slightly polar, with tyrosine, which is neutral and polar, at codon 438 of the CARD14 protein (p.Cys438Tyr). This variant is present in population databases (rs533044405, gnomAD 0.02%). This variant has not been reported in the literature in individuals affected with CARD14-related conditions. ClinVar contains an entry for this variant (Variation ID: 1382856). Advanced modeling of protein sequence and biophysical properties (such as structural, functional, and spatial information, amino acid conservation, physicochemical variation, residue mobility, and thermodynamic stability) has been performed at Invitae for this missense variant, however the output from this modeling did not meet the statistical confidence thresholds required to predict the impact of this variant on CARD14 protein function. In summary, the available evidence is currently insufficient to determine the role of this variant in disease. Therefore, it has been classified as a Variant of Uncertain Significance.

NM_001366385.1(CARD14):c.1313G>A (p.Cys438Tyr)

Gene: CARD14 (caspase recruitment domain family member 14; plus strand). Cytogenetic location: 17q25.3.
Variant type: single nucleotide variant.
Coding change: c.1313G>A on transcript NM_001366385.1 (MANE Select); coding-DNA position 1313, G replaced by A.
Protein change: p.Cys438Tyr; replaces cysteine 438 with tyrosine.
Molecular consequence: missense variant. On other transcripts: non-coding transcript variant (1).
Genome position (GRCh38, 1-based): chr17:80,192,576, G>A. VCF-style: chr17-80192576-G-A. GRCh37 (hg19) VCF-style: chr17-78166375-G-A.
Other names: c.1313G>A, p.Cys438Tyr (NM_001257970.1, NM_024110.4); c.602G>A, p.Cys201Tyr (NM_052819.3); c.1313G>A (NM_024110.3); short protein forms C201Y, C438Y.
Identifiers: ClinVar variation 1382856 (VCV001382856.9), dbSNP rs533044405, ClinGen allele CA8816754.